The following is an entry in ClinVar:

NM_000059.4(BRCA2):c.5924G>A (p.Cys1975Tyr)

Gene: BRCA2 (BRCA2 DNA repair associated; plus strand). Cytogenetic location: 13q13.1.
Variant type: single nucleotide variant.
Coding change: c.5924G>A on transcript NM_000059.4 (MANE Select); coding-DNA position 5924, G replaced by A.
Protein change: p.Cys1975Tyr; replaces cysteine 1975 with tyrosine.
Molecular consequence: missense variant.
Genome position (GRCh38, 1-based): chr13:32,340,279, G>A. VCF-style: chr13-32340279-G-A. GRCh37 (hg19) VCF-style: chr13-32914416-G-A.
Other names: short protein forms C1975Y.
Identifiers: ClinVar variation 481495 (VCV000481495.25), dbSNP rs767378196, ClinGen allele CA387787539.

ClinVar aggregate classification (germline): Conflicting classifications of pathogenicity. Review status: criteria provided, conflicting classifications (1 of 4 stars). 9 submissions from 9 submitters: Uncertain significance (5); Likely benign (4). Last evaluated 2025-06-25.

Conditions:
Familial cancer of breast. Also called: BREAST CANCER, FAMILIAL; Hereditary breast cancer; hereditary breast carcinoma. Identifiers: Orphanet 227535, MedGen C0346153, MONDO:0016419, OMIM 114480. Disease mechanism: loss of function.
BRCA2-related cancer predisposition. Identifiers: MedGen CN377758, MONDO:0700269.
Hereditary breast ovarian cancer syndrome. Also called: Hereditary breast and ovarian cancer syndrome (HBOC); Breast and ovarian cancer; Hereditary breast and ovarian cancer syndrome; Hereditary breast and ovarian cancer; Hereditary breast and/or ovarian cancer syndrome; BRCA1- and BRCA2-Associated Hereditary Breast and Ovarian Cancer. Identifiers: Orphanet 145, MedGen C0677776, MeSH D061325, MONDO:0003582. Disease mechanism: loss of function.
Hereditary cancer-predisposing syndrome. Also called: Hereditary neoplastic syndrome; Neoplastic Syndromes, Hereditary; Tumor predisposition; Hereditary Cancer Syndrome. Identifiers: Orphanet 140162, MedGen C0027672, MeSH D009386, MONDO:0015356.
Breast-ovarian cancer, familial, susceptibility to, 2 (BROVCA2). Also called: BRCA2 Hereditary Breast and Ovarian Cancer. Identifiers: Orphanet 145, MedGen C2675520, MONDO:0012933, OMIM 612555. Disease mechanism: loss of function.

Submissions (9):

Department of Clinical Genetics, Copenhagen University Hospital, Rigshospitalet
Classification: Likely benign for Familial cancer of breast. Last evaluated: 2025-06-25. Review status: criteria provided, single submitter. Criteria: ACMG Guidelines, 2015. Collection method: clinical testing. Allele origin: germline.
Comment: The following ACMG criteria has been used: PM2_SUP; BP1_Strong (SpliceAI ≤0.1)

Ambry Genetics
Classification: Uncertain significance for Hereditary cancer-predisposing syndrome. Last evaluated: 2025-03-26. Review status: criteria provided, single submitter. Criteria: Ambry Variant Classification Scheme 2023. Collection method: clinical testing. Allele origin: germline.
Comment: The p.C1975Y variant (also known as c.5924G>A), located in coding exon 10 of the BRCA2 gene, results from a G to A substitution at nucleotide position 5924. The cysteine at codon 1975 is replaced by tyrosine, an amino acid with highly dissimilar properties. This alteration was found in a cohort of 3984 Chinese breast cancer patients (Yao L. J Hum Genet. 2022 Nov;67(11):639-642). This amino acid position is not well conserved in available vertebrate species. In addition, this alteration is predicted to be tolerated by in silico analysis. Based on the available evidence, the clinical significance of this variant remains unclear.

Center for Genomic Medicine, Rigshospitalet, Copenhagen University Hospital
Classification: Likely benign. Last evaluated: 2025-03-04. Review status: criteria provided, single submitter. Criteria: ACMG Guidelines, 2015. Collection method: clinical testing. Allele origin: germline.

Labcorp Genetics (formerly Invitae), Labcorp
Classification: Uncertain significance for Hereditary breast ovarian cancer syndrome. Last evaluated: 2024-09-22. Review status: criteria provided, single submitter. Criteria: Invitae Variant Classification Sherloc (09022015). Collection method: clinical testing. Allele origin: germline.
Comment: This sequence change replaces cysteine, which is neutral and slightly polar, with tyrosine, which is neutral and polar, at codon 1975 of the BRCA2 protein (p.Cys1975Tyr). This variant is not present in population databases (gnomAD no frequency). This variant has not been reported in the literature in individuals affected with BRCA2-related conditions. ClinVar contains an entry for this variant (Variation ID: 481495). Invitae Evidence Modeling of protein sequence and biophysical properties (such as structural, functional, and spatial information, amino acid conservation, physicochemical variation, residue mobility, and thermodynamic stability) indicates that this missense variant is not expected to disrupt BRCA2 protein function with a negative predictive value of 95%. In summary, the available evidence is currently insufficient to determine the role of this variant in disease. Therefore, it has been classified as a Variant of Uncertain Significance.

All of Us Research Program, National Institutes of Health
Classification: Uncertain significance for BRCA2-related cancer predisposition. Last evaluated: 2024-08-13. Review status: criteria provided, single submitter. Criteria: ACMG Guidelines, 2015. Collection method: clinical testing. Allele origin: germline. Inheritance: Autosomal dominant inheritance. Observed: 1 variant allele, 1 heterozygote.
Comment: This missense variant replaces cysteine with tyrosine at codon 1975 of the BRCA2 protein. Computational prediction suggests that this variant may not impact protein structure and function. To our knowledge, functional studies have not been reported for this variant. This variant has been detected in a breast cancer case-control meta-analysis in 1/60466 cases and 2/53461 unaffected individuals (PMID: 33471991; Leiden Open Variation Database DB-ID BRCA2_008379). A multifactorial analysis has a likelihood ratio for pathogenicity based on personal and family history of 0.393 (based on log(LR) = -0.405437082) (PMID: 31853058). This variant has not been identified in the general population by the Genome Aggregation Database (gnomAD). The available evidence is insufficient to determine the role of this variant in disease conclusively. Therefore, this variant is classified as a Variant of Uncertain Significance.

This study involves interpretation of variants in research participants for the purpose of population health screening. Participant phenotype was not available at the time of variant classification. Additional details can be found in publication PMID: 35346344, PMCID: PMC8962531

Color Diagnostics, LLC DBA Color Health
Classification: Uncertain significance for Hereditary cancer-predisposing syndrome. Last evaluated: 2024-07-31. Review status: criteria provided, single submitter. Criteria: ACMG Guidelines, 2015. Collection method: clinical testing. Allele origin: germline.
Comment: This missense variant replaces cysteine with tyrosine at codon 1975 of the BRCA2 protein. Computational prediction suggests that this variant may not impact protein structure and function. To our knowledge, functional studies have not been reported for this variant. This variant has been detected in a breast cancer case-control meta-analysis in 1/60466 cases and 2/53461 unaffected individuals (PMID: 33471991; Leiden Open Variation Database DB-ID BRCA2_008379). A multifactorial analysis has a likelihood ratio for pathogenicity based on personal and family history of 0.393 (based on log(LR) = -0.405437082) (PMID: 31853058). This variant has not been identified in the general population by the Genome Aggregation Database (gnomAD). The available evidence is insufficient to determine the role of this variant in disease conclusively. Therefore, this variant is classified as a Variant of Uncertain Significance.

Myriad Genetics, Inc.
Classification: Likely benign for Breast-ovarian cancer, familial, susceptibility to, 2. Last evaluated: 2024-03-21. Review status: criteria provided, single submitter. Criteria: Myriad Autosomal Dominant, Autosomal Recessive and X-Linked Classification Criteria (2023). Collection method: clinical testing. Allele origin: unknown.
Comment: This variant is considered likely benign. This variant is strongly associated with less severe personal and family histories of cancer, typical for individuals without pathogenic variants in this gene [PMID: 25085752].

GeneDx
Classification: Uncertain significance. Last evaluated: 2023-09-20. Review status: criteria provided, single submitter. Criteria: GeneDx Variant Classification Process June 2021. Collection method: clinical testing. Allele origin: germline. Affected: yes.
Comment: Not observed at significant frequency in large population cohorts (gnomAD); In silico analysis supports that this missense variant has a deleterious effect on protein structure/function; Has not been previously published as pathogenic or benign to our knowledge; Also known as 6152G>A; This variant is associated with the following publications: (PMID: 32377563, 29884841)

University of Washington Department of Laboratory Medicine, University of Washington
Classification: Likely benign for Hereditary cancer-predisposing syndrome. Last evaluated: 2023-03-23. Review status: criteria provided, single submitter. Criteria: Dines et al. (Genet Med. 2020). Collection method: curation. Allele origin: germline.
Comment: Missense variant in a coldspot region where missense variants are very unlikely to be pathogenic (PMID:31911673).

BRCA2 exon 11 coldspot. Reclassification based on statistical prior probability.

Literature cited by the submitters: PubMed 31853058 (cited by All of Us Research Program, National Institutes of Health and Color Diagnostics, LLC DBA Color Health); PubMed 33471991 (cited by All of Us Research Program, National Institutes of Health and Color Diagnostics, LLC DBA Color Health); PubMed 25085752 (cited by Myriad Genetics, Inc.).